The following is an entry in ClinVar:

ClinVar aggregate classification (germline): Pathogenic (1 of 4 stars; one submission).

Submission:

GeneDx
Classification: Pathogenic. Last evaluated: 2025-04-03. Review status: criteria provided, single submitter. Criteria: GeneDx Variant Classification Process June 2021. Collection method: clinical testing. Allele origin: germline. Affected: yes.
Comment: Frameshift variant predicted to result in protein truncation or nonsense mediated decay in a gene for which loss of function is a known mechanism of disease; Not observed at significant frequency in large population cohorts (gnomAD); Has not been previously published as pathogenic or benign to our knowledge

NM_014491.4(FOXP2):c.1793del (p.Ile598fs)

Gene: FOXP2 (forkhead box P2; plus strand). Cytogenetic location: 7q31.1.
Variant type: Deletion.
Coding change: c.1793del on transcript NM_014491.4 (MANE Select); coding-DNA position 1793, one base deleted (T; older notation c.1793delT).
Protein change: p.Ile598fs; shifts the reading frame from isoleucine 598.
Molecular consequence: frameshift variant. On other transcripts: non-coding transcript variant (2).
Genome position (GRCh38, 1-based): chr7:114,663,473, T deleted. VCF-style (leftmost placement, unchanged base first): chr7-114663472-AT-A. GRCh37 (hg19) VCF-style: chr7-114303527-AT-A.
Other names: c.1790del, p.Ile597fs (NM_001172766.3); c.1868del, p.Ile623fs (NM_148898.4); c.1844del, p.Ile615fs (NM_148900.4); short protein forms I597fs, I598fs, I615fs, I623fs.
Identifiers: ClinVar variation 4278715 (VCV004278715.1).
Genomic context (GRCh38, chr7:114,663,472, plus strand): 5'-TTGACGTATAAATGATCTTTATATATTTTTTTTTTCAGAAGTCCAACCTTAGTAAAAAAT[AT>A]ACCTACCAGTTTAGGCTATGGAGCAGCTCTTAATGCCAGTTTGCAGGTAATGTACTTTCC-3'